The following is an entry in ClinVar:

NM_020549.5(CHAT):c.2117A>G (p.Lys706Arg)

Gene: CHAT (choline O-acetyltransferase; plus strand). Cytogenetic location: 10q11.23.
Variant type: single nucleotide variant.
Coding change: c.2117A>G on transcript NM_020549.5 (MANE Select); coding-DNA position 2117, A replaced by G.
Protein change: p.Lys706Arg; replaces lysine 706 with arginine.
Molecular consequence: missense variant.
Genome position (GRCh38, 1-based): chr10:49,664,916, A>G. VCF-style: chr10-49664916-A-G. GRCh37 (hg19) VCF-style: chr10-50872962-A-G.
Other names: c.1763A>G, p.Lys588Arg (NM_001142929.2, NM_001142934.2, NM_020984.4 and 2 more transcripts); c.1871A>G, p.Lys624Arg (NM_001142933.2); short protein forms K706R, K624R, K588R.
Identifiers: ClinVar variation 938782 (VCV000938782.9), dbSNP rs1286894680, ClinGen allele CA376714178.

ClinVar aggregate classification (germline): Uncertain significance (1 of 4 stars; one submission).

Conditions:
Familial infantile myasthenia (CMS6). Also called: MYASTHENIC SYNDROME, PRESYNAPTIC, CONGENITAL, ASSOCIATED WITH EPISODIC APNEA; MYASTHENIC SYNDROME, CONGENITAL, 6, PRESYNAPTIC; Congenital myasthenic syndrome type 6. Identifiers: Orphanet 590, MedGen C0393929, MONDO:0009689, OMIM 254210.

Allele frequency attached by ClinVar (database versions not stated): TOPMed 0.00001.

Submission:

Labcorp Genetics (formerly Invitae), Labcorp
Classification: Uncertain significance for Familial infantile myasthenia. Last evaluated: 2023-10-03. Review status: criteria provided, single submitter. Criteria: Invitae Variant Classification Sherloc (09022015). Collection method: clinical testing. Allele origin: germline.
Comment: This sequence change replaces lysine, which is basic and polar, with arginine, which is basic and polar, at codon 706 of the CHAT protein (p.Lys706Arg). This variant is not present in population databases (gnomAD no frequency). This variant has not been reported in the literature in individuals affected with CHAT-related conditions. ClinVar contains an entry for this variant (Variation ID: 938782). Advanced modeling of protein sequence and biophysical properties (such as structural, functional, and spatial information, amino acid conservation, physicochemical variation, residue mobility, and thermodynamic stability) performed at Invitae indicates that this missense variant is not expected to disrupt CHAT protein function. In summary, the available evidence is currently insufficient to determine the role of this variant in disease. Therefore, it has been classified as a Variant of Uncertain Significance.